The following is an entry in ClinVar:

ClinVar aggregate classification (germline): Uncertain significance. Review status: criteria provided, multiple submitters, no conflicts (2 of 4 stars). 2 submissions from 2 submitters: Uncertain significance (2). Last evaluated 2022-10-13.

Allele frequency attached by ClinVar (database versions not stated): gnomAD exomes below 0.00001; TOPMed below 0.00001.
gnomAD v4.1: 1 of 1,613,974 alleles (0.000062%); highest among the groups gnomAD compares: Admixed American, 0.0017%; no homozygotes.

Submissions (2):

Labcorp Genetics (formerly Invitae), Labcorp
Classification: Uncertain significance. Last evaluated: 2022-10-13. Review status: criteria provided, single submitter. Criteria: Invitae Variant Classification Sherloc (09022015). Collection method: clinical testing. Allele origin: germline.
Comment: In summary, the available evidence is currently insufficient to determine the role of this variant in disease. Therefore, it has been classified as a Variant of Uncertain Significance. Algorithms developed to predict the effect of missense changes on protein structure and function (SIFT, PolyPhen-2, Align-GVGD) all suggest that this variant is likely to be tolerated. ClinVar contains an entry for this variant (Variation ID: 1304719). This variant has not been reported in the literature in individuals affected with CACNA1D-related conditions. This variant is present in population databases (no rsID available, gnomAD 0.003%). This sequence change replaces threonine, which is neutral and polar, with proline, which is neutral and non-polar, at codon 2062 of the CACNA1D protein (p.Thr2062Pro).

GeneDx
Classification: Uncertain significance. Last evaluated: 2019-12-16. Review status: criteria provided, single submitter. Criteria: GeneDx Variant Classification Process June 2021. Collection method: clinical testing. Allele origin: germline. Affected: yes.
Comment: In silico analysis, which includes protein predictors and evolutionary conservation, supports a deleterious effect; Has not been previously published as pathogenic or benign to our knowledge

NM_001128840.3(CACNA1D):c.6124A>C (p.Thr2042Pro)

Gene: CACNA1D (calcium voltage-gated channel subunit alpha1 D; plus strand). Cytogenetic location: 3p21.1.
Variant type: single nucleotide variant.
Coding change: c.6124A>C on transcript NM_001128840.3 (MANE Select); coding-DNA position 6124, A replaced by C.
Protein change: p.Thr2042Pro; replaces threonine 2042 with proline.
Molecular consequence: missense variant.
Genome position (GRCh38, 1-based): chr3:53,810,230, A>C. VCF-style: chr3-53810230-A-C. GRCh37 (hg19) VCF-style: chr3-53844257-A-C.
Other names: c.6184A>C, p.Thr2062Pro (NM_000720.4); c.6052A>C, p.Thr2018Pro (NM_001128839.3); short protein forms T2018P, T2042P, T2062P.
Identifiers: ClinVar variation 1304719 (VCV001304719.9), dbSNP rs1245504827, ClinGen allele CA353258581.